The following is an entry in ClinVar:

ClinVar aggregate classification (germline): Pathogenic (1 of 4 stars; one submission).

Conditions:
Early-infantile DEE. Also called: Early infantile epileptic encephalopathy with suppression bursts; Early infantile epileptic encephalopathy; Ohtahara syndrome. Identifiers: Orphanet 1934, MedGen C0393706, MONDO:0800491.

Submission:

Labcorp Genetics (formerly Invitae), Labcorp
Classification: Pathogenic for Early-infantile DEE. Last evaluated: 2024-01-11. Review status: criteria provided, single submitter. Criteria: Invitae Variant Classification Sherloc (09022015). Collection method: clinical testing. Allele origin: germline.
Comment: This sequence change creates a premature translational stop signal (p.Gln500*) in the SCN8A gene. It is expected to result in an absent or disrupted protein product. Loss-of-function variants in SCN8A are known to be pathogenic (PMID: 19254928, 32651551). This variant is not present in population databases (gnomAD no frequency). This variant has not been reported in the literature in individuals affected with SCN8A-related conditions. For these reasons, this variant has been classified as Pathogenic.

Literature cited by the submitters: PubMed 19254928; PubMed 32651551.

NM_001330260.2(SCN8A):c.1498C>T (p.Gln500Ter)

Gene: SCN8A (sodium voltage-gated channel alpha subunit 8; plus strand). Cytogenetic location: 12q13.13.
Variant type: single nucleotide variant.
Coding change: c.1498C>T on transcript NM_001330260.2 (MANE Select); coding-DNA position 1498, C replaced by T.
Protein change: p.Gln500Ter; replaces glutamine 500 with a stop codon.
Molecular consequence: nonsense.
Genome position (GRCh38, 1-based): chr12:51,706,578, C>T. VCF-style: chr12-51706578-C-T. GRCh37 (hg19) VCF-style: chr12-52100362-C-T.
Other names: c.1498C>T, p.Gln500Ter (NM_001177984.3, NM_001369788.1, NM_014191.4); short protein forms Q500*.
Identifiers: ClinVar variation 2707574 (VCV002707574.3), dbSNP rs2540186185, ClinGen allele CA385228938.
Genomic context (GRCh38, chr12:51,706,578, plus strand): 5'-ATCTCTAAACTCAGCTCAAAGAGTGCAAAGGAAAGACGTAACAGGAGAAAGAAGAGGAAG[C>T]AAAAGGAACTCTCTGAAGGAGAGGAGAAAGGGGATCCCGAGAAGGTGTTTAAGTCAGAGT-3'